The following is an entry in ClinVar:

ClinVar aggregate classification (germline): Uncertain significance. Review status: criteria provided, single submitter (1 of 4 stars). 2 submissions from 2 submitters: Uncertain significance (1). 1 of the submissions does not count toward it. Last evaluated 2021-09-01.

Conditions:
Emery-Dreifuss muscular dystrophy (EDMD). Also called: Scapuloperoneal syndrome, X-linked (formerly); Humeroperoneal neuromuscular disease, (formerly). Identifiers: Orphanet 261, MedGen C0410189, MONDO:0016830.
X-linked Emery-Dreifuss muscular dystrophy. Also called: Muscular dystrophy, tardive Emery-Dreifuss type, with contractures. Identifiers: Orphanet 261, Orphanet 98863, MedGen C0751337, MONDO:0010680.

Submissions (2):

Labcorp Genetics (formerly Invitae), Labcorp
Classification: Uncertain significance for X-linked Emery-Dreifuss muscular dystrophy. Last evaluated: 2021-09-01. Review status: criteria provided, single submitter. Criteria: Invitae Variant Classification Sherloc (09022015). Collection method: clinical testing. Allele origin: germline.
Comment: This sequence change replaces aspartic acid with glycine at codon 63 of the EMD protein (p.Asp63Gly). The aspartic acid residue is highly conserved and there is a moderate physicochemical difference between aspartic acid and glycine. This variant is not present in population databases (ExAC no frequency). This variant has not been reported in the literature in individuals affected with EMD-related conditions. Algorithms developed to predict the effect of missense changes on protein structure and function are either unavailable or do not agree on the potential impact of this missense change (SIFT: "Deleterious"; PolyPhen-2: "Possibly Damaging"; Align-GVGD: "Class C0"). In summary, the available evidence is currently insufficient to determine the role of this variant in disease. Therefore, it has been classified as a Variant of Uncertain Significance.

Natera, Inc.
Classification: Uncertain significance for Emery-Dreifuss muscular dystrophy. Last evaluated: 2021-10-07. Review status: no assertion criteria provided. Collection method: clinical testing. Allele origin: germline. Not counted in ClinVar's aggregate classification.

NM_000117.3(EMD):c.188A>G (p.Asp63Gly)

Gene: EMD (emerin; plus strand). Cytogenetic location: Xq28.
Variant type: single nucleotide variant.
Coding change: c.188A>G on transcript NM_000117.3 (MANE Select); coding-DNA position 188, A replaced by G.
Protein change: p.Asp63Gly; replaces aspartic acid 63 with glycine.
Molecular consequence: missense variant.
Genome position (GRCh38, 1-based): chrX:154,379,942, A>G. VCF-style: chrX-154379942-A-G. GRCh37 (hg19) VCF-style: chrX-153608302-A-G.
Other names: short protein forms D63G.
Identifiers: ClinVar variation 531736 (VCV000531736.7), dbSNP rs1557182355, ClinGen allele CA415257584.